The following is an entry in ClinVar:

Conditions:
Arteriohepatic dysplasia. Also called: Alagille Syndrome. Identifiers: Orphanet 52, MedGen C0085280, MeSH D016738, MONDO:0007318.

Submission:

Gilbert/Spinner Lab, Children's Hospital of Philadelphia
No classification provided (evidence only). Condition: Alagille syndrome. Review status: no classification provided. Collection method: research. Allele origin: not applicable. Functional consequence: functionally_abnormal.
ClinVar note: "not provided" was previously submitted as the classification for the variant. However, the classification appeared to be based only on an observation of functional data so it was converted to no classification on 2025-07-30.

NM_000214.3(JAG1):c.893A>T (p.Asn298Ile)

Gene: JAG1 (jagged canonical Notch ligand 1; minus strand). Cytogenetic location: 20p12.2.
Variant type: single nucleotide variant.
Coding change: c.893A>T on transcript NM_000214.3 (MANE Select); coding-DNA position 893, A replaced by T.
Protein change: p.Asn298Ile; replaces asparagine 298 with isoleucine.
Molecular consequence: missense variant.
Genome position (GRCh38, 1-based): chr20:10,652,244, T>A on the plus strand (A>T on the coding strand, the complement: JAG1 is on the minus strand). VCF-style: chr20-10652244-T-A. GRCh37 (hg19) VCF-style: chr20-10632892-T-A.
Other names: short protein forms N298I.
Identifiers: ClinVar variation 3573166 (VCV003573166.2).